The following is an entry in ClinVar:

ClinVar aggregate classification (germline): Uncertain significance. Review status: criteria provided, multiple submitters, no conflicts (2 of 4 stars). 2 submissions from 2 submitters: Uncertain significance (2). Last evaluated 2025-10-09.

Conditions:
Familial cancer of breast. Also called: BREAST CANCER, FAMILIAL; Hereditary breast cancer; hereditary breast carcinoma. Identifiers: Orphanet 227535, MedGen C0346153, MONDO:0016419, OMIM 114480. Disease mechanism: loss of function.
Hereditary cancer-predisposing syndrome. Also called: Neoplastic Syndromes, Hereditary; Tumor predisposition; Hereditary Cancer Syndrome; Hereditary neoplastic syndrome. Identifiers: Orphanet 140162, MedGen C0027672, MeSH D009386, MONDO:0015356.

Submissions (2):

Labcorp Genetics (formerly Invitae), Labcorp
Classification: Uncertain significance for Familial cancer of breast. Last evaluated: 2025-10-09. Review status: criteria provided, single submitter. Criteria: Invitae Variant Classification Sherloc (09022015). Collection method: clinical testing. Allele origin: germline.
Comment: This sequence change replaces lysine, which is basic and polar, with threonine, which is neutral and polar, at codon 185 of the PALB2 protein (p.Lys185Thr). This variant is not present in population databases (gnomAD no frequency). This variant has not been reported in the literature in individuals affected with PALB2-related conditions. ClinVar contains an entry for this variant (Variation ID: 482032). An algorithm developed to predict the effect of missense changes on protein structure and function (PolyPhen-2) suggests that this variant is likely to be disruptive. In summary, the available evidence is currently insufficient to determine the role of this variant in disease. Therefore, it has been classified as a Variant of Uncertain Significance.

Ambry Genetics
Classification: Uncertain significance for Hereditary cancer-predisposing syndrome. Last evaluated: 2016-07-11. Review status: criteria provided, single submitter. Criteria: Ambry Variant Classification Scheme 2023. Collection method: clinical testing. Allele origin: germline.
Comment: The p.K185T variant (also known as c.554A>C), located in coding exon 4 of the PALB2 gene, results from an A to C substitution at nucleotide position 554. The lysine at codon 185 is replaced by threonine, an amino acid with similar properties. This variant was not reported in population based cohorts in the following databases: Database of Single Nucleotide Polymorphisms (dbSNP), NHLBI Exome Sequencing Project (ESP), and 1000 Genomes Project. In the ESP, this variant was not observed in 6497 samples (12994 alleles) with coverage at this position. To date, this alteration has been detected with an allele frequency of approximately 0.0004% (greater than 225000 alleles tested) in our clinical cohort. This amino acid position is poorly conserved in available vertebrate species. In addition, this alteration is predicted to be tolerated by in silico analysis. Since supporting evidence is limited at this time, the clinical significance of this alteration remains unclear.

NM_024675.4(PALB2):c.554A>C (p.Lys185Thr)

Gene: PALB2 (partner and localizer of BRCA2; minus strand). Cytogenetic location: 16p12.2.
Variant type: single nucleotide variant.
Coding change: c.554A>C on transcript NM_024675.4 (MANE Select); coding-DNA position 554, A replaced by C.
Protein change: p.Lys185Thr; replaces lysine 185 with threonine.
Molecular consequence: missense variant.
Genome position (GRCh38, 1-based): chr16:23,635,992, T>G on the plus strand (A>C on the coding strand, the complement: PALB2 is on the minus strand). VCF-style: chr16-23635992-T-G. GRCh37 (hg19) VCF-style: chr16-23647313-T-G.
Other names: short protein forms K185T.
Identifiers: ClinVar variation 482032 (VCV000482032.6), dbSNP rs864622667, ClinGen allele CA395136848.
Genomic context (GRCh38, chr16:23,635,992, plus strand): 5'-TCAGATTTAAGACTTAAAAGGTGAGTTCTTATTTCAGTTACTGGTGATCTAGCAGGATTT[T>G]TGCTACTGATTTCTTCCTGTTCCTTTAGTCTTTTCCCAGACAATCTGAGTGAATCAGTGC-3'
Protein context (NP_078951.2, residues 175-195): RLKEQEEISS[Lys185Thr]NPARSPVTEI